The following is an entry in ClinVar:

ClinVar aggregate classification (germline): Likely benign (1 of 4 stars; one submission).

Conditions:
Colorectal cancer, susceptibility to, 1. Also called: COLORECTAL ADENOMA AND CANCER, SUSCEPTIBILITY TO; COLORECTAL CANCER, SUSCEPTIBILITY TO, ON CHROMOSOME 9. Identifiers: MedGen C1837315, MONDO:0012132, OMIM 608812.

Submission:

Myriad Genetics, Inc.
Classification: Likely benign for Colorectal cancer, susceptibility to, 1. Last evaluated: 2026-04-22. Review status: criteria provided, single submitter. Criteria: Myriad Autosomal Dominant, Autosomal Recessive and X-Linked Classification Criteria (2023). Collection method: clinical testing. Allele origin: unknown.
Comment: This variant is considered likely benign. This variant is intronic and is not expected to impact mRNA splicing.

NM_024642.5(GALNT12):c.1345-14T>C

Gene: GALNT12 (polypeptide N-acetylgalactosaminyltransferase 12; plus strand). Cytogenetic location: 9q22.33.
Variant type: single nucleotide variant.
Coding change: c.1345-14T>C on transcript NM_024642.5 (MANE Select); 14 bases into the intron before coding-DNA position 1345, T replaced by C.
Molecular consequence: intron variant.
Genome position (GRCh38, 1-based): chr9:98,844,082, T>C. VCF-style: chr9-98844082-T-C. GRCh37 (hg19) VCF-style: chr9-101606364-T-C.
Identifiers: ClinVar variation 4875786 (VCV004875786.1).
Genomic context (GRCh38, chr9:98,844,082, plus strand): 5'-CTCCCCAAGCCTTGTGTGGCATCTGTTAGTGTCTATAAATCTGGACTGAAATGCCACATT[T>C]ATGTTTTATTTAGCTCCAGAACAAAGGACTAACAGACTACTGCTTTGACTATAACCCTCC-3'